The following is an entry in ClinVar:

ClinVar aggregate classification (germline): Likely benign. Review status: criteria provided, multiple submitters, no conflicts (2 of 4 stars). 2 submissions from 2 submitters: Likely benign (2). Last evaluated 2026-05-18.

Conditions:
SMARCA4-related disorder. Also called: SMARCA4-related condition.
Rhabdoid tumor predisposition syndrome 2 (RTPS2). Identifiers: Orphanet 231108, Orphanet 69077, MedGen C2750074, MONDO:0013224, OMIM 613325.

Allele frequency attached by ClinVar (database versions not stated): TOPMed below 0.00001; ExAC 0.00001; gnomAD 0.00001; gnomAD exomes 0.00001 and 0.00002.
gnomAD v4.1: 5 of 1,613,964 alleles (0.00031%); highest among the groups gnomAD compares: East Asian, 0.011%; no homozygotes.

Submissions (2):

PreventionGenetics, part of Exact Sciences
Classification: Likely benign for SMARCA4-related condition. Last evaluated: 2026-05-18. Review status: criteria provided, single submitter. Criteria: ACMG Guidelines, 2015. Collection method: clinical testing. Allele origin: germline.
Comment: This variant is classified as likely benign based on ACMG/AMP sequence variant interpretation guidelines (Richards et al. 2015 PMID: 25741868, with internal and published modifications).

Labcorp Genetics (formerly Invitae), Labcorp
Classification: Likely benign for Rhabdoid tumor predisposition syndrome 2. Last evaluated: 2025-11-04. Review status: criteria provided, single submitter. Criteria: Invitae Variant Classification Sherloc (09022015). Collection method: clinical testing. Allele origin: germline.

NM_003072.5(SMARCA4):c.1943+9G>A

Gene: SMARCA4 (SWI/SNF related BAF chromatin remodeling complex subunit ATPase 4; plus strand). Cytogenetic location: 19p13.2.
Variant type: single nucleotide variant.
Coding change: c.1943+9G>A on transcript NM_003072.5 (MANE Select); 9 bases into the intron after coding-DNA position 1943, G replaced by A.
Molecular consequence: intron variant.
Genome position (GRCh38, 1-based): chr19:11,003,168, G>A. VCF-style: chr19-11003168-G-A. GRCh37 (hg19) VCF-style: chr19-11113844-G-A.
Other names: c.1943+9G>A (NM_001128844.3, NM_001128849.3, NM_001128847.4 and 5 more transcripts).
Identifiers: ClinVar variation 537898 (VCV000537898.12), dbSNP rs752048323, ClinGen allele CA9203934.